The following is an entry in ClinVar:

ClinVar aggregate classification (germline): Uncertain significance (1 of 4 stars; one submission).

Submission:

GeneDx
Classification: Uncertain significance. Last evaluated: 2019-12-19. Review status: criteria provided, single submitter. Criteria: GeneDx Variant Classification Process June 2021. Collection method: clinical testing. Allele origin: germline. Affected: yes.
Comment: Has not been previously published as pathogenic or benign to our knowledge; Not observed in large population cohorts (Lek et al., 2016); In silico analysis, which includes protein predictors and evolutionary conservation, supports that this variant does not alter protein structure/function

NM_024334.3(TMEM43):c.432G>T (p.Arg144Ser)

Gene: TMEM43 (transmembrane protein 43; plus strand). Cytogenetic location: 3p25.1.
Variant type: single nucleotide variant.
Coding change: c.432G>T on transcript NM_024334.3 (MANE Select); coding-DNA position 432, G replaced by T.
Protein change: p.Arg144Ser; replaces arginine 144 with serine.
Molecular consequence: missense variant.
Genome position (GRCh38, 1-based): chr3:14,132,585, G>T. VCF-style: chr3-14132585-G-T. GRCh37 (hg19) VCF-style: chr3-14174085-G-T.
Other names: short protein forms R144S.
Identifiers: ClinVar variation 1311227 (VCV001311227.2), dbSNP rs2124988840, ClinGen allele CA351535058.